The following is an entry in ClinVar:

ClinVar aggregate classification (germline): Likely benign (1 of 4 stars; one submission).

Allele frequency attached by ClinVar (database versions not stated): TOPMed 0.00028; ESP Exome Variant Server 0.00046; 1000 Genomes Project 30x 0.00078; 1000 Genomes Project 0.00100; ExAC 0.00278.
gnomAD v4.1: 2,470 of 1,614,126 alleles (0.15%); highest among the groups gnomAD compares: Non-Finnish European, 0.043%; 35 homozygotes.

Submission:

CeGaT Center for Human Genetics Tuebingen
Classification: Likely benign. Last evaluated: 2022-05-01. Review status: criteria provided, single submitter. Criteria: CeGaT Center For Human Genetics Tuebingen Variant Classification Criteria Version 2. Collection method: clinical testing. Allele origin: germline. Affected: yes. Observed: 1 variant allele.
Comment: NR1I2: BP4, BP7

NM_003889.4(NR1I2):c.543C>T (p.Gly181=)

Gene: NR1I2 (nuclear receptor subfamily 1 group I member 2; plus strand). Cytogenetic location: 3q13.33.
Variant type: single nucleotide variant.
Coding change: c.543C>T on transcript NM_003889.4 (MANE Select); coding-DNA position 543, C replaced by T.
Protein change: p.Gly181=; no amino-acid change (glycine 181 retained).
Molecular consequence: synonymous variant. On other transcripts: intron variant (1).
Genome position (GRCh38, 1-based): chr3:119,812,709, C>T. VCF-style: chr3-119812709-C-T. GRCh37 (hg19) VCF-style: chr3-119531556-C-T.
Other names: c.660C>T, p.Gly220= (NM_022002.3); c.520-88C>T (NM_033013.3).
Identifiers: ClinVar variation 2654059 (VCV002654059.24), dbSNP rs12721600, ClinGen allele CA2557896.